The following is an entry in ClinVar:

ClinVar aggregate classification (germline): Likely benign. Review status: criteria provided, multiple submitters, no conflicts (2 of 4 stars). 2 submissions from 2 submitters: Likely benign (2). Last evaluated 2024-09-01.

Conditions:
Hereditary cancer-predisposing syndrome. Also called: Hereditary neoplastic syndrome; Tumor predisposition; Neoplastic Syndromes, Hereditary; Hereditary Cancer Syndrome. Identifiers: Orphanet 140162, MedGen C0027672, MeSH D009386, MONDO:0015356.

gnomAD v4.1: 1 of 1,611,450 alleles (0.000062%); highest among the groups gnomAD compares: South Asian, 0.0011%; no homozygotes.

Submissions (2):

CeGaT Center for Human Genetics Tuebingen
Classification: Likely benign. Last evaluated: 2024-09-01. Review status: criteria provided, single submitter. Criteria: CeGaT Center For Human Genetics Tuebingen Variant Classification Criteria Version 2. Collection method: clinical testing. Allele origin: germline. Affected: yes. Observed: 1 variant allele.
Comment: POLD1: BP4, BP7

Ambry Genetics
Classification: Likely benign for Hereditary cancer-predisposing syndrome. Last evaluated: 2019-12-09. Review status: criteria provided, single submitter. Criteria: Ambry Variant Classification Scheme 2023. Collection method: clinical testing. Allele origin: germline.

NM_002691.4(POLD1):c.3291G>T (p.Arg1097=)

Gene: POLD1 (DNA polymerase delta 1, catalytic subunit; plus strand). Cytogenetic location: 19q13.33.
Variant type: single nucleotide variant.
Coding change: c.3291G>T on transcript NM_002691.4 (MANE Select); coding-DNA position 3291, G replaced by T.
Protein change: p.Arg1097=; no amino-acid change (arginine 1097 retained).
Molecular consequence: synonymous variant. On other transcripts: non-coding transcript variant (1).
Genome position (GRCh38, 1-based): chr19:50,417,914, G>T. VCF-style: chr19-50417914-G-T. GRCh37 (hg19) VCF-style: chr19-50921171-G-T.
Other names: c.3291G>T, p.Arg1097= (NM_001256849.1); c.3369G>T, p.Arg1123= (NM_001308632.1).
Identifiers: ClinVar variation 1729853 (VCV001729853.16), dbSNP rs753235009, ClinGen allele CA508186745.